The following is an entry in ClinVar:

ClinVar aggregate classification (germline): Uncertain significance (1 of 4 stars; one submission).

Conditions:
Arthrogryposis, distal, type 1B. Identifiers: Orphanet 1146, MedGen C3280526, MONDO:0013698, OMIM 614335.

Submission:

MVZ Medizinische Genetik Mainz
Classification: Uncertain significance for Arthrogryposis, distal, type 1B. Last evaluated: 2024-06-06. Review status: criteria provided, single submitter. Criteria: UK Practice Guidelines For Variant Classification V4 01 2020. Collection method: clinical testing. Allele origin: germline. Inheritance: Autosomal dominant inheritance. Affected: yes. Observed: 1 variant allele.
Comment: ACMG Criteria: PM2_SUP,PP2,PP4

NM_002465.4(MYBPC1):c.995G>A (p.Arg332Lys)

Genes: MYBPC1 (myosin binding protein C1; plus strand), LOC105369937 (uncharacterized LOC105369937; minus strand). Cytogenetic location: 12q23.2.
Variant type: single nucleotide variant.
Coding change: c.995G>A on transcript NM_002465.4 (MANE Select); coding-DNA position 995, G replaced by A.
Protein change: p.Arg332Lys; replaces arginine 332 with lysine.
Molecular consequence: missense variant. On other transcripts: non-coding transcript variant (1).
Genome position (GRCh38, 1-based): chr12:101,646,792, G>A. VCF-style: chr12-101646792-G-A. GRCh37 (hg19) VCF-style: chr12-102040570-G-A.
Other names: c.920G>A, p.Arg307Lys (NM_001254718.3, NM_001254719.3, NM_206820.4 and 1 more transcripts); c.884G>A, p.Arg295Lys (NM_001254720.3); c.863G>A, p.Arg288Lys (NM_001254721.3, NM_001404676.1, NM_001404678.1); c.842G>A, p.Arg281Lys (NM_001254722.3, NM_001404680.1); c.881G>A, p.Arg294Lys (NM_001254723.3); c.995G>A, p.Arg332Lys (NM_001404675.1, NM_206819.4); c.785G>A, p.Arg262Lys (NM_001404677.1, NM_001404679.1, NM_001404681.1); short protein forms R262K, R281K, R288K, R294K, R295K, R307K, R332K.
Identifiers: ClinVar variation 3248539 (VCV003248539.1), dbSNP rs2547595024.